The following is an entry in ClinVar:

NM_006268.5(DPF2):c.637+340C>T

Gene: DPF2 (double PHD fingers 2; plus strand). Cytogenetic location: 11q13.1.
Variant type: single nucleotide variant.
Coding change: c.637+340C>T on transcript NM_006268.5 (MANE Select); 340 bases into the intron after coding-DNA position 637, C replaced by T.
Molecular consequence: intron variant.
Genome position (GRCh38, 1-based): chr11:65,344,409, C>T. VCF-style: chr11-65344409-C-T. GRCh37 (hg19) VCF-style: chr11-65111880-C-T.
Other names: c.638-171C>T (NM_001330308.2).
Identifiers: ClinVar variation 3024843 (VCV003024843.22), dbSNP rs4647586, ClinGen allele CA223956544.

ClinVar aggregate classification (germline): Benign (1 of 4 stars; one submission).

Allele frequency attached by ClinVar (database versions not stated): 1000 Genomes Project 0.00120; 1000 Genomes Project 30x 0.00156; TOPMed 0.00286; gnomAD 0.00314; gnomAD exomes 0.00406.
gnomAD v4.1: 2,536 of 665,632 alleles (0.38%); highest among the groups gnomAD compares: Non-Finnish European, 0.53%; 6 homozygotes.

Submission:

CeGaT Center for Human Genetics Tuebingen
Classification: Benign. Last evaluated: 2026-07-01. Review status: criteria provided, single submitter. Criteria: CeGaT Center For Human Genetics Tuebingen Variant Classification Criteria Version 2. Collection method: clinical testing. Allele origin: germline. Affected: yes. Observed: 8 variant alleles.
Comment: DPF2: BS1, BS2